The following is an entry in ClinVar:

ClinVar aggregate classification (germline): Pathogenic (1 of 4 stars; one submission).

Conditions:
3-Methylglutaconic aciduria type 2 (BTHS). Also called: Barth syndrome; CARDIOSKELETAL MYOPATHY WITH NEUTROPENIA AND ABNORMAL MITOCHONDRIA. Identifiers: Orphanet 111, MedGen C0574083, MONDO:0010543, OMIM 302060.

Submission:

Labcorp Genetics (formerly Invitae), Labcorp
Classification: Pathogenic for 3-Methylglutaconic aciduria type 2. Last evaluated: 2020-07-10. Review status: criteria provided, single submitter. Criteria: Invitae Variant Classification Sherloc (09022015). Collection method: clinical testing. Allele origin: germline.
Comment: For these reasons, this variant has been classified as Pathogenic. Loss-of-function variants in TAZ are known to be pathogenic (PMID: 16427346, 22382802, 23409742). This variant has not been reported in the literature in individuals with TAZ-related conditions. This variant is not present in population databases (ExAC no frequency). This sequence change creates a premature translational stop signal (p.Ala99*) in the TAZ gene. It is expected to result in an absent or disrupted protein product.

Literature cited by the submitters: PubMed 16427346; PubMed 22382802; PubMed 23409742.

NM_000116.5(TAFAZZIN):c.293_294insTTAGGACCCC (p.Ala98_Ala99insTer)

Gene: TAFAZZIN (tafazzin, phospholipid-lysophospholipid transacylase; plus strand). Cytogenetic location: Xq28.
Variant type: Insertion.
Coding change: c.293_294insTTAGGACCCC on transcript NM_000116.5 (MANE Select); coding-DNA positions 293 to 294, TTAGGACCCC inserted.
Protein change: p.Ala98_Ala99insTer.
Molecular consequence: nonsense, inframe insertion. On other transcripts: non-coding transcript variant (1).
Genome position: GRCh38 VCF-style: chrX-154413489-G-GCTTAGGACCC. GRCh37 (hg19) VCF-style: chrX-153641826-G-GCTTAGGACCC.
Other names: c.293_294insTTAGGACCCC, p.Ala98_Ala99insTer (NM_181313.4, NM_181311.4, NM_181312.4); c.347_348insTTAGGACCCC, p.Ala116_Ala117insTer (NM_001303465.2).
Identifiers: ClinVar variation 1075571 (VCV001075571.5), dbSNP rs2148191858, ClinGen allele CA2499226506.